The following is an entry in ClinVar:

NM_032043.3(BRIP1):c.1093A>G (p.Ile365Val)

Gene: BRIP1 (BRCA1 interacting DNA helicase 1; minus strand). Cytogenetic location: 17q23.2.
Variant type: single nucleotide variant.
Coding change: c.1093A>G on transcript NM_032043.3 (MANE Select); coding-DNA position 1093, A replaced by G.
Protein change: p.Ile365Val; replaces isoleucine 365 with valine.
Molecular consequence: missense variant.
Genome position (GRCh38, 1-based): chr17:61,801,300, T>C on the plus strand (A>G on the coding strand, the complement: BRIP1 is on the minus strand). VCF-style: chr17-61801300-T-C. GRCh37 (hg19) VCF-style: chr17-59878661-T-C.
Other names: p.Ile365Val; short protein forms I365V.
Identifiers: ClinVar variation 822149 (VCV000822149.18), dbSNP rs749251680, ClinGen allele CA8690803.

ClinVar aggregate classification (germline): Conflicting classifications of pathogenicity. Review status: criteria provided, conflicting classifications (1 of 4 stars). 6 submissions from 6 submitters: Uncertain significance (4); Likely benign (1). 1 of the submissions does not count toward it. Last evaluated 2025-08-05.

Conditions:
Familial cancer of breast. Also called: Hereditary breast cancer; hereditary breast carcinoma; BREAST CANCER, FAMILIAL. Identifiers: Orphanet 227535, MedGen C0346153, MONDO:0016419, OMIM 114480. Disease mechanism: loss of function.
Fanconi anemia complementation group J. Also called: BRIP1-Related Fanconi Anemia. Identifiers: Orphanet 84, MedGen C1836860, MONDO:0012187, OMIM 609054.
Hereditary cancer-predisposing syndrome. Also called: Hereditary Cancer Syndrome; Neoplastic Syndromes, Hereditary; Hereditary neoplastic syndrome; Tumor predisposition. Identifiers: Orphanet 140162, MedGen C0027672, MeSH D009386, MONDO:0015356.

Allele frequency attached by ClinVar (database versions not stated): gnomAD exomes below 0.00001; ExAC 0.00001.

Submissions (6):

Mayo Clinic Laboratories, Mayo Clinic
Classification: Uncertain significance. Last evaluated: 2025-08-05. Review status: criteria provided, single submitter. Criteria: ACMG Guidelines, 2015. Collection method: clinical testing. Allele origin: germline. Observed: 1 variant allele.
Comment: BP4, PM2_supporting

Labcorp Genetics (formerly Invitae), Labcorp
Classification: Uncertain significance for Familial cancer of breast; Fanconi anemia complementation group J. Last evaluated: 2025-06-09. Review status: criteria provided, single submitter. Criteria: Invitae Variant Classification Sherloc (09022015). Collection method: clinical testing. Allele origin: germline.
Comment: This sequence change replaces isoleucine, which is neutral and non-polar, with valine, which is neutral and non-polar, at codon 365 of the BRIP1 protein (p.Ile365Val). This variant is present in population databases (rs749251680, gnomAD 0.0009%). This variant has not been reported in the literature in individuals affected with BRIP1-related conditions. ClinVar contains an entry for this variant (Variation ID: 822149). Invitae Evidence Modeling of protein sequence and biophysical properties (such as structural, functional, and spatial information, amino acid conservation, physicochemical variation, residue mobility, and thermodynamic stability) indicates that this missense variant is not expected to disrupt BRIP1 protein function with a negative predictive value of 95%. In summary, the available evidence is currently insufficient to determine the role of this variant in disease. Therefore, it has been classified as a Variant of Uncertain Significance.

Center for Genomic Medicine, Rigshospitalet, Copenhagen University Hospital
Classification: Uncertain significance. Last evaluated: 2025-03-04. Review status: criteria provided, single submitter. Criteria: ACMG Guidelines, 2015. Collection method: clinical testing. Allele origin: germline.

Color Diagnostics, LLC DBA Color Health
Classification: Uncertain significance for Hereditary cancer-predisposing syndrome. Last evaluated: 2019-05-22. Review status: criteria provided, single submitter. Criteria: ACMG Guidelines, 2015. Collection method: clinical testing. Allele origin: germline.

Ambry Genetics
Classification: Likely benign for Hereditary cancer-predisposing syndrome. Last evaluated: 2015-11-05. Review status: criteria provided, single submitter. Criteria: Ambry Variant Classification Scheme 2023. Collection method: clinical testing. Allele origin: germline.

Leiden Open Variation Database
Classification: Uncertain significance. Last evaluated: 2019-08-13. Review status: no assertion criteria provided. Collection method: curation. Allele origin: germline. Affected: yes. Not counted in ClinVar's aggregate classification.
Comment: Curator: Arleen D. Auerbach. Submitter to LOVD: Yukihide Momozawa.

Literature cited by the submitters: PubMed 31214711 (cited by Mayo Clinic Laboratories, Mayo Clinic and Leiden Open Variation Database).